The following is an entry in ClinVar:

ClinVar aggregate classification (germline): Uncertain significance (1 of 4 stars; one submission).

Submission:

Ambry Genetics
Classification: Uncertain significance. Last evaluated: 2023-10-16. Review status: criteria provided, single submitter. Criteria: Ambry Variant Classification Scheme 2023. Collection method: clinical testing. Allele origin: germline.
Comment: Does not currently meet published gene-disease clinical validity criteria Based on insufficient or conflicting evidence, the clinical significance of this alteration remains unclear.

Literature cited by the submitters: PubMed 28106320.

NM_015158.5(KANK1):c.266C>A (p.Thr89Asn)

Gene: KANK1 (KN motif and ankyrin repeat domains 1; plus strand). Cytogenetic location: 9p24.3.
Variant type: single nucleotide variant.
Coding change: c.266C>A on transcript NM_015158.5 (MANE Select); coding-DNA position 266, C replaced by A.
Protein change: p.Thr89Asn; replaces threonine 89 with asparagine.
Molecular consequence: missense variant. On other transcripts: 5 prime UTR variant (12), non-coding transcript variant (1).
Genome position (GRCh38, 1-based): chr9:711,032, C>A. VCF-style: chr9-711032-C-A. GRCh37 (hg19) VCF-style: chr9-711032-C-A.
Other names: c.266C>A, p.Thr89Asn (NM_001256876.3, NM_001256877.3, NM_001354331.2 and 2 more transcripts); c.-209C>A (NM_001354333.2, NM_001354335.2, NM_001354336.2 and 9 more transcripts); short protein forms T89N.
Identifiers: ClinVar variation 3112589 (VCV003112589.1), dbSNP rs2539673857, ClinGen allele CA372745813.